The following is an entry in ClinVar:

ClinVar aggregate classification (germline): Uncertain significance. Review status: criteria provided, single submitter (1 of 4 stars). 2 submissions from 2 submitters: Uncertain significance (1). 1 of the submissions does not count toward it. Last evaluated 2021-06-17.

Conditions:
PUM1-related disorder. Also called: PUM1-related condition; PUM1-related disorders.
Inborn genetic diseases. Identifiers: MedGen C0950123, MeSH D030342.

Allele frequency attached by ClinVar (database versions not stated): gnomAD 0.00001; TOPMed 0.00001; 1000 Genomes Project 30x 0.00016; 1000 Genomes Project 0.00020.
gnomAD v4.1: 2 of 1,614,206 alleles (0.00012%); highest among the groups gnomAD compares: African/African-American, 0.0027%; no homozygotes.

Submissions (2):

Ambry Genetics
Classification: Uncertain significance for Inborn genetic diseases. Last evaluated: 2021-06-17. Review status: criteria provided, single submitter. Criteria: Ambry Variant Classification Scheme 2023. Collection method: clinical testing. Allele origin: germline.

PreventionGenetics, part of Exact Sciences
Classification: Uncertain significance for PUM1-related condition. Last evaluated: 2024-05-01. Review status: no assertion criteria provided. Collection method: clinical testing. Allele origin: germline. Not counted in ClinVar's aggregate classification.
Comment: The PUM1 c.2033G>A variant is predicted to result in the amino acid substitution p.Ser678Asn. To our knowledge, this variant has not been reported in the literature or in a large population database, indicating this variant is rare. At this time, the clinical significance of this variant is uncertain due to the absence of conclusive functional and genetic evidence.

NM_001020658.2(PUM1):c.2033G>A (p.Ser678Asn)

Gene: PUM1 (pumilio RNA binding family member 1; minus strand). Cytogenetic location: 1p35.2.
Variant type: single nucleotide variant.
Coding change: c.2033G>A on transcript NM_001020658.2 (MANE Select); coding-DNA position 2033, G replaced by A.
Protein change: p.Ser678Asn; replaces serine 678 with asparagine.
Molecular consequence: missense variant.
Genome position (GRCh38, 1-based): chr1:30,966,035, C>T on the plus strand (G>A on the coding strand, the complement: PUM1 is on the minus strand). VCF-style: chr1-30966035-C-T. GRCh37 (hg19) VCF-style: chr1-31438882-C-T.
Other names: c.2033G>A, p.Ser678Asn (NM_014676.3); short protein forms S678N.
Identifiers: ClinVar variation 2214341 (VCV002214341.3), dbSNP rs563317280, ClinGen allele CA20109147.